The following is an entry in ClinVar:

ClinVar aggregate classification (germline): Uncertain significance. Review status: criteria provided, multiple submitters, no conflicts (2 of 4 stars). 2 submissions from 2 submitters: Uncertain significance (2). Last evaluated 2025-07-13.

Conditions:
Hereditary cancer-predisposing syndrome. Also called: Hereditary Cancer Syndrome; Tumor predisposition; Neoplastic Syndromes, Hereditary; Hereditary neoplastic syndrome. Identifiers: Orphanet 140162, MedGen C0027672, MeSH D009386, MONDO:0015356.

Allele frequency attached by ClinVar (database versions not stated): gnomAD exomes below 0.00001.

Submissions (2):

Labcorp Genetics (formerly Invitae), Labcorp
Classification: Uncertain significance. Last evaluated: 2025-07-13. Review status: criteria provided, single submitter. Criteria: Invitae Variant Classification Sherloc (09022015). Collection method: clinical testing. Allele origin: germline.
Comment: This sequence change replaces alanine, which is neutral and non-polar, with valine, which is neutral and non-polar, at codon 11 of the NTHL1 protein (p.Ala11Val). This variant is not present in population databases (gnomAD no frequency). This variant has not been reported in the literature in individuals affected with NTHL1-related conditions. ClinVar contains an entry for this variant (Variation ID: 2731417). An algorithm developed to predict the effect of missense changes on protein structure and function outputs the following: PolyPhen-2: "Benign". The valine amino acid residue is found in multiple mammalian species, which suggests that this missense change does not adversely affect protein function. In summary, the available evidence is currently insufficient to determine the role of this variant in disease. Therefore, it has been classified as a Variant of Uncertain Significance.

Ambry Genetics
Classification: Uncertain significance for Hereditary cancer-predisposing syndrome. Last evaluated: 2024-12-16. Review status: criteria provided, single submitter. Criteria: Ambry Variant Classification Scheme 2023. Collection method: clinical testing. Allele origin: germline.
Comment: The p.A11V variant (also known as c.32C>T), located in coding exon 1 of the NTHL1 gene, results from a C to T substitution at nucleotide position 32. The alanine at codon 11 is replaced by valine, an amino acid with similar properties. This amino acid position is conserved. In addition, this alteration is predicted to be tolerated by in silico analysis. Based on the available evidence, the clinical significance of this variant remains unclear.

NM_002528.7(NTHL1):c.8C>T (p.Ala3Val)

Gene: NTHL1 (nth like DNA glycosylase 1; minus strand). Cytogenetic location: 16p13.3.
Variant type: single nucleotide variant.
Coding change: c.8C>T on transcript NM_002528.7 (MANE Select); coding-DNA position 8, C replaced by T.
Protein change: p.Ala3Val; replaces alanine 3 with valine.
Molecular consequence: missense variant. On other transcripts: 5 prime UTR variant (1).
Genome position (GRCh38, 1-based): chr16:2,047,816, G>A on the plus strand (C>T on the coding strand, the complement: NTHL1 is on the minus strand). VCF-style: chr16-2047816-G-A. GRCh37 (hg19) VCF-style: chr16-2097817-G-A.
Other names: c.32C>T (NM_002528.5); c.8C>T, p.Ala3Val (NM_001318193.2); c.-171C>T (NM_001318194.2); short protein forms A3V.
Identifiers: ClinVar variation 2731417 (VCV002731417.4), dbSNP rs2548332676, ClinGen allele CA394298681.